The following is an entry in ClinVar:

ClinVar aggregate classification (germline): Uncertain significance (1 of 4 stars; one submission).

Allele frequency attached by ClinVar (database versions not stated): ExAC 0.00001; gnomAD 0.00001; gnomAD exomes 0.00001.
gnomAD v4.1: 11 of 1,614,074 alleles (0.00068%); highest among the groups gnomAD compares: Non-Finnish European, 0.00085%; no homozygotes.

Submission:

Labcorp Genetics (formerly Invitae), Labcorp
Classification: Uncertain significance. Last evaluated: 2025-10-05. Review status: criteria provided, single submitter. Criteria: Invitae Variant Classification Sherloc (09022015). Collection method: clinical testing. Allele origin: germline.
Comment: This sequence change replaces lysine, which is basic and polar, with glutamine, which is neutral and polar, at codon 133 of the AFG3L2 protein (p.Lys133Gln). This variant is present in population databases (rs764723311, gnomAD 0.0009%). This variant has not been reported in the literature in individuals affected with AFG3L2-related conditions. ClinVar contains an entry for this variant (Variation ID: 1948798). Invitae Evidence Modeling of protein sequence and biophysical properties (such as structural, functional, and spatial information, amino acid conservation, physicochemical variation, residue mobility, and thermodynamic stability) indicates that this missense variant is not expected to disrupt AFG3L2 protein function with a negative predictive value of 95%. In summary, the available evidence is currently insufficient to determine the role of this variant in disease. Therefore, it has been classified as a Variant of Uncertain Significance.

NM_006796.3(AFG3L2):c.397A>C (p.Lys133Gln)

Gene: AFG3L2 (AFG3 like matrix AAA peptidase subunit 2; minus strand). Cytogenetic location: 18p11.21.
Variant type: single nucleotide variant.
Coding change: c.397A>C on transcript NM_006796.3 (MANE Select); coding-DNA position 397, A replaced by C.
Protein change: p.Lys133Gln; replaces lysine 133 with glutamine.
Molecular consequence: missense variant.
Genome position (GRCh38, 1-based): chr18:12,367,278, T>G on the plus strand (A>C on the coding strand, the complement: AFG3L2 is on the minus strand). VCF-style: chr18-12367278-T-G. GRCh37 (hg19) VCF-style: chr18-12367277-T-G.
Other names: short protein forms K133Q.
Identifiers: ClinVar variation 1948798 (VCV001948798.5), dbSNP rs764723311, ClinGen allele CA8896752.